The following is an entry in ClinVar:

ClinVar aggregate classification (germline): Uncertain significance. Review status: criteria provided, multiple submitters, no conflicts (2 of 4 stars). 2 submissions from 2 submitters: Uncertain significance (2). Last evaluated 2024-12-07.

Conditions:
Hereditary pancreatitis (PCTT). Also called: Hereditary chronic pancreatitis; PRSS1-Related Hereditary Pancreatitis. Identifiers: Orphanet 676, MedGen C0238339, MONDO:0008185, OMIM 167800.

Allele frequency attached by ClinVar (database versions not stated): gnomAD exomes below 0.00001; TOPMed below 0.00001; ExAC 0.00001; gnomAD 0.00001.

Submissions (2):

Ambry Genetics
Classification: Uncertain significance for Hereditary pancreatitis. Last evaluated: 2024-12-07. Review status: criteria provided, single submitter. Criteria: Ambry Variant Classification Scheme 2023. Collection method: clinical testing. Allele origin: germline.
Comment: The p.Y86C variant (also known as c.257A>G), located in coding exon 3 of the CPA1 gene, results from an A to G substitution at nucleotide position 257. The tyrosine at codon 86 is replaced by cysteine, an amino acid with highly dissimilar properties. This amino acid position is conserved. In addition, the in silico prediction for this alteration is inconclusive. Since supporting evidence is limited at this time, the clinical significance of this alteration remains unclear.

Labcorp Genetics (formerly Invitae), Labcorp
Classification: Uncertain significance. Last evaluated: 2024-01-28. Review status: criteria provided, single submitter. Criteria: Invitae Variant Classification Sherloc (09022015). Collection method: clinical testing. Allele origin: germline.
Comment: This sequence change replaces tyrosine, which is neutral and polar, with cysteine, which is neutral and slightly polar, at codon 86 of the CPA1 protein (p.Tyr86Cys). This variant is present in population databases (rs782403815, gnomAD 0.0009%). This variant has not been reported in the literature in individuals affected with CPA1-related conditions. ClinVar contains an entry for this variant (Variation ID: 1793346). Advanced modeling of protein sequence and biophysical properties (such as structural, functional, and spatial information, amino acid conservation, physicochemical variation, residue mobility, and thermodynamic stability) has been performed at Invitae for this missense variant, however the output from this modeling did not meet the statistical confidence thresholds required to predict the impact of this variant on CPA1 protein function. In summary, the available evidence is currently insufficient to determine the role of this variant in disease. Therefore, it has been classified as a Variant of Uncertain Significance.

NM_001868.4(CPA1):c.257A>G (p.Tyr86Cys)

Gene: CPA1 (carboxypeptidase A1; plus strand). Cytogenetic location: 7q32.2.
Variant type: single nucleotide variant.
Coding change: c.257A>G on transcript NM_001868.4 (MANE Select); coding-DNA position 257, A replaced by G.
Protein change: p.Tyr86Cys; replaces tyrosine 86 with cysteine.
Molecular consequence: missense variant.
Genome position (GRCh38, 1-based): chr7:130,381,739, A>G. VCF-style: chr7-130381739-A-G. GRCh37 (hg19) VCF-style: chr7-130021580-A-G.
Other names: short protein forms Y86C.
Identifiers: ClinVar variation 1793346 (VCV001793346.6), dbSNP rs782403815, ClinGen allele CA4484739.